The following is an entry in ClinVar:

ClinVar aggregate classification (germline): Likely pathogenic (0 of 4 stars; one submission).

Conditions:
Intellectual disability. Also called: Intellectual developmental disorder; Intellectual functioning disability; intellectual disabilities. Identifiers: MedGen C3714756, MeSH D008607, MONDO:0001071, HP:0001249.

Submission:

Center for Medical Genetics and Molecular Medicine, Haukeland University Hospital
Classification: Likely pathogenic for Intellectual disability. Last evaluated: 2017-11-01. Review status: no assertion criteria provided. Collection method: clinical testing. Allele origin: de novo. Inheritance: Sporadic. Affected: yes. Observed: 1 variant allele, 1 heterozygote.
Comment: Case report accepted by Molecular Case Studies

NM_001650.7(AQP4):c.332G>C (p.Ser111Thr)

Gene: AQP4 (aquaporin 4; minus strand). Cytogenetic location: 18q11.2.
Variant type: single nucleotide variant.
Coding change: c.332G>C on transcript NM_001650.7 (MANE Select); coding-DNA position 332, G replaced by C.
Protein change: p.Ser111Thr; replaces serine 111 with threonine.
Molecular consequence: missense variant.
Genome position (GRCh38, 1-based): chr18:26,862,297, C>G on the plus strand (G>C on the coding strand, the complement: AQP4 is on the minus strand). VCF-style: chr18-26862297-C-G. GRCh37 (hg19) VCF-style: chr18-24442261-C-G.
Other names: c.332G>C, p.Ser111Thr (NM_001317384.3, NM_001317387.3); c.266G>C, p.Ser89Thr (NM_001364286.1, NM_001364287.1, NM_001364289.2 and 1 more transcripts); short protein forms S111T, S89T.
Identifiers: ClinVar variation 446492 (VCV000446492.3), dbSNP rs1555661648, ClinGen allele CA402099366.